The following is an entry in ClinVar:

ClinVar aggregate classification (germline): Conflicting classifications of pathogenicity. Review status: criteria provided, conflicting classifications (1 of 4 stars). 3 submissions from 3 submitters: Likely pathogenic (1); Uncertain significance (2). Last evaluated 2023-07-18.

Conditions:
Atelosteogenesis type III. Also called: Atelosteogenesis Type 3 (FLNB-AO3). Identifiers: Orphanet 56305, MedGen C3668942, MONDO:0007168, OMIM 108721.

Allele frequency attached by ClinVar (database versions not stated): gnomAD exomes below 0.00001; TOPMed 0.00003; gnomAD 0.00004 and 0.00005; ESP Exome Variant Server 0.00008.
gnomAD v4.1: 13 of 1,613,672 alleles (0.00081%); highest among the groups gnomAD compares: African/African-American, 0.008%; no homozygotes.

Submissions (3):

Labcorp Genetics (formerly Invitae), Labcorp
Classification: Uncertain significance. Last evaluated: 2023-07-18. Review status: criteria provided, single submitter. Criteria: Invitae Variant Classification Sherloc (09022015). Collection method: clinical testing. Allele origin: germline.
Comment: This missense change has been observed in individual(s) with Larsen syndrome (PMID: 22190451). This variant is present in population databases (rs368472521, gnomAD 0.01%). This sequence change replaces proline, which is neutral and non-polar, with leucine, which is neutral and non-polar, at codon 191 of the FLNB protein (p.Pro191Leu). ClinVar contains an entry for this variant (Variation ID: 372794). In summary, the available evidence is currently insufficient to determine the role of this variant in disease. Therefore, it has been classified as a Variant of Uncertain Significance. Advanced modeling of protein sequence and biophysical properties (such as structural, functional, and spatial information, amino acid conservation, physicochemical variation, residue mobility, and thermodynamic stability) performed at Invitae indicates that this missense variant is not expected to disrupt FLNB protein function.

Centre for Mendelian Genomics, University Medical Centre Ljubljana
Classification: Uncertain significance for Atelosteogenesis type III. Last evaluated: 2020-01-30. Review status: criteria provided, single submitter. Criteria: ACMG Guidelines, 2015. Collection method: clinical testing. Allele origin: unknown. Affected: yes.
Comment: This variant was classified as: Uncertain significance. The available evidence on this variant's pathogenicity is insufficient or conflicting. The following ACMG criteria were applied in classifying this variant: PM2,PP3.

GeneDx
Classification: Likely pathogenic. Last evaluated: 2016-01-12. Review status: criteria provided, single submitter. Criteria: GeneDx Variant Classification (06012015). Collection method: clinical testing. Allele origin: germline. Affected: yes.
Comment: The P191L variant in the FLNB gene has been reported previously as a de novo change in a patient with Larsen syndrome (Daniel et al., 2012). The P191L variant was not observed at any significant frequency in approximately 6500 individuals of European and African American ancestry in the NHLBI Exome Sequencing Project, indicating it is not a common benign variant in these populations. The P191L variant is a semi-conservative amino acid substitution, which may impact secondary protein structure as these residues differ in some properties. This substitution occurs at a position in the CH2 domain that is conserved in mammals. In silico analysis predicts this variant is probably damaging to the protein structure/function. Missense variants in nearby residues (S188P, W189R, W189G) have been reported in the Human Gene Mutation Database in association with FLNB-related disorders (Stenson et al., 2014), supporting the functional importance of this region of the protein. However, the possibility it may be a rare benign variant cannot be excluded.

Literature cited by the submitters: PubMed 22190451 (cited by Labcorp Genetics (formerly Invitae), Labcorp).

NM_001457.4(FLNB):c.572C>T (p.Pro191Leu)

Gene: FLNB (filamin B; plus strand). Cytogenetic location: 3p14.3.
Variant type: single nucleotide variant.
Coding change: c.572C>T on transcript NM_001457.4 (MANE Select); coding-DNA position 572, C replaced by T.
Protein change: p.Pro191Leu; replaces proline 191 with leucine.
Molecular consequence: missense variant.
Genome position (GRCh38, 1-based): chr3:58,078,747, C>T. VCF-style: chr3-58078747-C-T. GRCh37 (hg19) VCF-style: chr3-58064474-C-T.
Other names: c.572C>T, p.Pro191Leu (NM_001164317.2, NM_001164318.2, NM_001164319.2); short protein forms P191L.
Identifiers: ClinVar variation 372794 (VCV000372794.7), dbSNP rs368472521, ClinGen allele CA16042534.